The following is an entry in ClinVar:

ClinVar aggregate classification (germline): Pathogenic (1 of 4 stars; one submission).

Conditions:
Hereditary insensitivity to pain with anhidrosis (CIPA). Also called: NTRK1 Congenital Insensitivity to Pain with Anhidrosis; HSAN Type IV; FAMILIAL DYSAUTONOMIA, TYPE II; NEUROPATHY, CONGENITAL SENSORY, WITH ANHIDROSIS; hereditary sensory and autonomic neuropathy type 4; INSENSITIVITY TO PAIN, CONGENITAL, WITH ANHIDROSIS. Identifiers: Orphanet 642, MedGen C0020074, MONDO:0009746, OMIM 256800.

Submission:

Labcorp Genetics (formerly Invitae), Labcorp
Classification: Pathogenic for Hereditary insensitivity to pain with anhidrosis. Last evaluated: 2023-05-11. Review status: criteria provided, single submitter. Criteria: Invitae Variant Classification Sherloc (09022015). Collection method: clinical testing. Allele origin: germline.
Comment: For these reasons, this variant has been classified as Pathogenic. This variant disrupts a region of the NTRK1 protein in which other variant(s) (p.Gly571Ser) have been determined to be pathogenic (PMID: 29770739; Invitae). This suggests that this is a clinically significant region of the protein, and that variants that disrupt it are likely to be disease-causing. This variant has not been reported in the literature in individuals affected with NTRK1-related conditions. This variant is not present in population databases (gnomAD no frequency). This variant, c.1709_1717del, results in the deletion of 3 amino acid(s) of the NTRK1 protein (p.Phe570_Val572del), but otherwise preserves the integrity of the reading frame.

Literature cited by the submitters: PubMed 29770739.

NM_002529.4(NTRK1):c.1727_1735del (p.Phe576_Val578del)

Gene: NTRK1 (neurotrophic receptor tyrosine kinase 1; plus strand). Cytogenetic location: 1q23.1.
Variant type: Deletion.
Coding change: c.1727_1735del on transcript NM_002529.4 (MANE Select); coding-DNA positions 1727 to 1735, 9 bases deleted (TCGGCGTCT; older notation c.1727_1735delTCGGCGTCT).
Protein change: p.Phe576_Val578del.
Molecular consequence: inframe deletion. On other transcripts: inframe indel (1).
Genome position (GRCh38, 1-based): chr1:156,876,494-156,876,502, TCGGCGTCT deleted; deleting any 9 consecutive bases within chr1:156,876,491-156,876,502 gives the same sequence; the c. name uses the placement nearest the transcript's 3' end. VCF-style (leftmost placement, unchanged base first): chr1-156876490-TTCTTCGGCG-T. GRCh37 (hg19) VCF-style: chr1-156846282-TTCTTCGGCG-T.
Other names: c.1727_1735delTCGGCGTCT, p.Phe576_Val578del (NM_001007204.1); c.1619_1627del, p.Phe540_Val542del (NM_001007792.1); c.1709_1717del, p.Phe570_Val572del (NM_001012331.2).
Identifiers: ClinVar variation 2863396 (VCV002863396.3), dbSNP rs1647923012, ClinGen allele CA1200786122.